The following is an entry in ClinVar:

NM_003070.5(SMARCA2):c.2833T>G (p.Phe945Val)

Gene: SMARCA2 (SWI/SNF related BAF chromatin remodeling complex subunit ATPase 2; plus strand). Cytogenetic location: 9p24.3.
Variant type: single nucleotide variant.
Coding change: c.2833T>G on transcript NM_003070.5 (MANE Select); coding-DNA position 2833, T replaced by G.
Protein change: p.Phe945Val; replaces phenylalanine 945 with valine.
Molecular consequence: missense variant.
Genome position (GRCh38, 1-based): chr9:2,088,563, T>G. VCF-style: chr9-2088563-T-G. GRCh37 (hg19) VCF-style: chr9-2088563-T-G.
Other names: c.2833T>G, p.Phe945Val (NM_001289396.2, NM_139045.4); c.2659T>G, p.Phe887Val (NM_001289397.2); short protein forms F887V, F945V.
Identifiers: ClinVar variation 3898787 (VCV003898787.1).

ClinVar aggregate classification (germline): Uncertain significance (1 of 4 stars; one submission).

Submission:

GeneDx
Classification: Uncertain significance. Last evaluated: 2024-11-08. Review status: criteria provided, single submitter. Criteria: GeneDx Variant Classification Process June 2021. Collection method: clinical testing. Allele origin: germline. Affected: yes.
Comment: Not observed at significant frequency in large population cohorts (gnomAD); In silico analysis supports that this missense variant has a deleterious effect on protein structure/function; Has not been previously published as pathogenic or benign to our knowledge